The following is an entry in ClinVar:

ClinVar aggregate classification (germline): Likely benign (1 of 4 stars; one submission).

gnomAD v4.1: 3 of 1,612,934 alleles (0.00019%); highest among the groups gnomAD compares: Non-Finnish European, 0.00025%; no homozygotes.

Submission:

CeGaT Center for Human Genetics Tuebingen
Classification: Likely benign. Last evaluated: 2022-08-01. Review status: criteria provided, single submitter. Criteria: CeGaT Center For Human Genetics Tuebingen Variant Classification Criteria Version 2. Collection method: clinical testing. Allele origin: germline. Affected: yes. Observed: 1 variant allele.
Comment: ANKRD11: BP4, BP7

NM_013275.6(ANKRD11):c.4569G>C (p.Pro1523=)

Gene: ANKRD11 (ankyrin repeat domain 11; minus strand). Cytogenetic location: 16q24.3.
Variant type: single nucleotide variant.
Coding change: c.4569G>C on transcript NM_013275.6 (MANE Select); coding-DNA position 4569, G replaced by C.
Protein change: p.Pro1523=; no amino-acid change (proline 1523 retained).
Molecular consequence: synonymous variant.
Genome position (GRCh38, 1-based): chr16:89,281,973, C>G on the plus strand (G>C on the coding strand, the complement: ANKRD11 is on the minus strand). VCF-style: chr16-89281973-C-G. GRCh37 (hg19) VCF-style: chr16-89348381-C-G.
Other names: c.4569G>C, p.Pro1523= (NM_001256182.2, NM_001256183.2).
Identifiers: ClinVar variation 2647076 (VCV002647076.24), dbSNP rs760134298, ClinGen allele CA497374221.
Genomic context (GRCh38, chr16:89,281,973, plus strand): 5'-GCCCTTTTCTTTCTCTGCACCGTCCTTGAATTTCTCCTTCAGTTTGGCATCGCCGAGCCT[C>G]GGGCCCTCGTCCCTGGACTTGTCTTTGAGCACGCGGGGCGGGCTGTCCTTGTCCCTGGTG-3'
Protein context (NP_037407.4, residues 1513-1533): VLKDKSRDEG[Pro1523=]RLGDAKLKEK